The following is an entry in ClinVar:

ClinVar aggregate classification (germline): Uncertain significance. Review status: criteria provided, multiple submitters, no conflicts (2 of 4 stars). 3 submissions from 3 submitters: Uncertain significance (3). Last evaluated 2025-02-25.

Conditions:
Ellis-van Creveld syndrome (EVC). Also called: EVC-Related Ellis-van Creveld Syndrome; EVC2-Related Ellis-van Creveld Syndrome; Chondroectodermal dysplasia; MESOECTODERMAL DYSPLASIA. Identifiers: Orphanet 289, MedGen C0013903, MONDO:0009162, OMIM 225500.
Curry-Hall syndrome (WAD). Also called: WEYERS ACRODENTAL DYSOSTOSIS. Identifiers: Orphanet 952, MedGen C0457013, MONDO:0008673, OMIM 193530.
Inborn genetic diseases. Identifiers: MedGen C0950123, MeSH D030342.

Allele frequency attached by ClinVar (database versions not stated): gnomAD exomes below 0.00001; gnomAD 0.00001; TOPMed 0.00003.
gnomAD v4.1: 3 of 1,613,928 alleles (0.00019%); highest among the groups gnomAD compares: Admixed American, 0.005%; no homozygotes.

Submissions (3):

GeneDx
Classification: Uncertain significance. Last evaluated: 2025-02-25. Review status: criteria provided, single submitter. Criteria: GeneDx Variant Classification Process June 2021. Collection method: clinical testing. Allele origin: germline. Affected: yes.
Comment: In silico analysis supports that this missense variant has a deleterious effect on protein structure/function; Has not been previously published as pathogenic or benign to our knowledge

Labcorp Genetics (formerly Invitae), Labcorp
Classification: Uncertain significance for Curry-Hall syndrome; Ellis-van Creveld syndrome. Last evaluated: 2024-10-21. Review status: criteria provided, single submitter. Criteria: Invitae Variant Classification Sherloc (09022015). Collection method: clinical testing. Allele origin: germline.
Comment: This sequence change replaces serine, which is neutral and polar, with tyrosine, which is neutral and polar, at codon 692 of the EVC2 protein (p.Ser692Tyr). The frequency data for this variant in the population databases is considered unreliable, as metrics indicate poor data quality at this position in the gnomAD database. This variant has not been reported in the literature in individuals affected with EVC2-related conditions. ClinVar contains an entry for this variant (Variation ID: 1011984). An algorithm developed to predict the effect of missense changes on protein structure and function (PolyPhen-2) suggests that this variant is likely to be disruptive. In summary, the available evidence is currently insufficient to determine the role of this variant in disease. Therefore, it has been classified as a Variant of Uncertain Significance.

Ambry Genetics
Classification: Uncertain significance for Inborn genetic diseases. Last evaluated: 2021-09-17. Review status: criteria provided, single submitter. Criteria: Ambry Variant Classification Scheme 2023. Collection method: clinical testing. Allele origin: germline.

NM_147127.5(EVC2):c.2075C>A (p.Ser692Tyr)

Gene: EVC2 (EvC ciliary complex subunit 2; minus strand). Cytogenetic location: 4p16.2.
Variant type: single nucleotide variant.
Coding change: c.2075C>A on transcript NM_147127.5 (MANE Select); coding-DNA position 2075, C replaced by A.
Protein change: p.Ser692Tyr; replaces serine 692 with tyrosine.
Molecular consequence: missense variant.
Genome position (GRCh38, 1-based): chr4:5,622,963, G>T on the plus strand (C>A on the coding strand, the complement: EVC2 is on the minus strand). VCF-style: chr4-5622963-G-T. GRCh37 (hg19) VCF-style: chr4-5624690-G-T.
Other names: c.1835C>A, p.Ser612Tyr (NM_001166136.2); c.2075C>A (NM_147127.4); short protein forms S612Y, S692Y.
Identifiers: ClinVar variation 1011984 (VCV001011984.10), dbSNP rs1318313186, ClinGen allele CA356145524.